The following is an entry in ClinVar:

ClinVar aggregate classification (germline): Uncertain significance (1 of 4 stars; one submission).

Submission:

GeneDx
Classification: Uncertain significance. Last evaluated: 2025-06-20. Review status: criteria provided, single submitter. Criteria: GeneDx Variant Classification Process June 2021. Collection method: clinical testing. Allele origin: germline. Affected: yes.
Comment: Not observed at significant frequency in large population cohorts (gnomAD); In silico analysis supports that this missense variant has a deleterious effect on protein structure/function; Has not been previously published as pathogenic or benign to our knowledge

NM_003470.3(USP7):c.1976C>T (p.Thr659Ile)

Gene: USP7 (ubiquitin specific peptidase 7; minus strand). Cytogenetic location: 16p13.2.
Variant type: single nucleotide variant.
Coding change: c.1976C>T on transcript NM_003470.3 (MANE Select); coding-DNA position 1976, C replaced by T.
Protein change: p.Thr659Ile; replaces threonine 659 with isoleucine.
Molecular consequence: missense variant. On other transcripts: non-coding transcript variant (1).
Genome position (GRCh38, 1-based): chr16:8,902,153, G>A on the plus strand (C>T on the coding strand, the complement: USP7 is on the minus strand). VCF-style: chr16-8902153-G-A. GRCh37 (hg19) VCF-style: chr16-8996010-G-A.
Other names: c.1928C>T, p.Thr643Ile (NM_001286457.2); c.1679C>T, p.Thr560Ile (NM_001286458.2); c.1802C>T, p.Thr601Ile (NM_001321858.2); short protein forms T560I, T601I, T643I, T659I.
Identifiers: ClinVar variation 4538757 (VCV004538757.1).